The following is an entry in ClinVar:

ClinVar aggregate classification (germline): Uncertain significance (1 of 4 stars; one submission).

Submission:

Women's Health and Genetics/Laboratory Corporation of America, LabCorp
Classification: Uncertain significance. Last evaluated: 2018-05-29. Review status: criteria provided, single submitter. Criteria: LabCorp Variant Classification Summary - May 2015. Collection method: clinical testing. Allele origin: germline.
Comment: Variant summary: BBS2 c.-14A>G is located in the untranslated mRNA region upstream of the initiation codon. One in silico tool predicts a benign outcome for this variant. The variant was absent in 243770 control chromosomes (gnomAD). The available data on variant occurrences in the general population are insufficient to allow any conclusion about variant significance. To our knowledge, no occurrence of c.-14A>G in individuals affected with Bardet-Biedl Syndrome and no experimental evidence demonstrating its impact on protein function have been reported. No clinical diagnostic laboratories have submitted clinical-significance assessments for this variant to ClinVar after 2014. Based on the evidence outlined above, the variant was classified as uncertain significance.

NM_031885.5(BBS2):c.-14A>G

Gene: BBS2 (Bardet-Biedl syndrome 2; minus strand). Cytogenetic location: 16q13.
Variant type: single nucleotide variant.
Coding change: c.-14A>G on transcript NM_031885.5 (MANE Select); 14 bases upstream of the start codon, A replaced by G.
Molecular consequence: 5 prime UTR variant. On other transcripts: non-coding transcript variant (5).
Genome position (GRCh38, 1-based): chr16:56,519,876, T>C on the plus strand (A>G on the coding strand, the complement: BBS2 is on the minus strand). VCF-style: chr16-56519876-T-C. GRCh37 (hg19) VCF-style: chr16-56553788-T-C.
Other names: c.-14A>G (NM_001377456.1).
Identifiers: ClinVar variation 633079 (VCV000633079.1), dbSNP rs1567588946, ClinGen allele CA913190817.
Genomic context (GRCh38, chr16:56,519,876, plus strand): 5'-GGGCTGATTTTGTGGCGCAGTTTCAGGGTGAACACAGGCAGCAGCATGATGGCGGCGGCT[T>C]AGGGGAGGAGGGCTGGAAGCTGGAGACAAGCGCAGCGGAGCTGGCCTCACGCGCCCGGGC-3'